The following is an entry in ClinVar:

ClinVar aggregate classification (germline): Uncertain significance. Review status: criteria provided, single submitter (1 of 4 stars). 2 submissions from 2 submitters: Uncertain significance (1). 1 of the submissions does not count toward it. Last evaluated 2020-08-19.

Conditions:
Primary ciliary dyskinesia. Also called: Ciliary dyskinesia. Identifiers: Orphanet 244, MedGen C0008780, MONDO:0016575, HP:0012265.

Allele frequency attached by ClinVar (database versions not stated): gnomAD exomes below 0.00001; ExAC 0.00001; gnomAD 0.00001; TOPMed 0.00001.
gnomAD v4.1: 2 of 1,611,828 alleles (0.00012%); highest among the groups gnomAD compares: Admixed American, 0.0033%; no homozygotes.

Submissions (2):

Labcorp Genetics (formerly Invitae), Labcorp
Classification: Uncertain significance for Primary ciliary dyskinesia. Last evaluated: 2020-08-19. Review status: criteria provided, single submitter. Criteria: Invitae Variant Classification Sherloc (09022015). Collection method: clinical testing. Allele origin: germline.
Comment: This sequence change falls in intron 70 of the DNAH5 gene. It does not directly change the encoded amino acid sequence of the DNAH5 protein, but it affects a nucleotide within the consensus splice site of the intron. This variant is present in population databases (rs746256175, ExAC 0.009%). This variant has not been reported in the literature in individuals with DNAH5-related conditions. Nucleotide substitutions within the consensus splice site are a relatively common cause of aberrant splicing (PMID: 17576681, 9536098). Algorithms developed to predict the effect of sequence changes on RNA splicing suggest that this variant may disrupt the consensus splice site, but this prediction has not been confirmed by published transcriptional studies. In summary, the available evidence is currently insufficient to determine the role of this variant in disease. Therefore, it has been classified as a Variant of Uncertain Significance.

Natera, Inc.
Classification: Uncertain significance for Primary ciliary dyskinesia. Last evaluated: 2020-02-01. Review status: no assertion criteria provided. Collection method: clinical testing. Allele origin: germline. Not counted in ClinVar's aggregate classification.

Literature cited by the submitters: PubMed 17576681 (cited by Labcorp Genetics (formerly Invitae), Labcorp); PubMed 9536098 (cited by Labcorp Genetics (formerly Invitae), Labcorp).

NM_001369.3(DNAH5):c.12033+4A>G

Gene: DNAH5 (dynein axonemal heavy chain 5; minus strand). Cytogenetic location: 5p15.2.
Variant type: single nucleotide variant.
Coding change: c.12033+4A>G on transcript NM_001369.3 (MANE Select); 4 bases into the intron after coding-DNA position 12033, A replaced by G.
Molecular consequence: intron variant.
Genome position (GRCh38, 1-based): chr5:13,727,503, T>C on the plus strand (A>G on the coding strand, the complement: DNAH5 is on the minus strand). VCF-style: chr5-13727503-T-C. GRCh37 (hg19) VCF-style: chr5-13727612-T-C.
Identifiers: ClinVar variation 1011858 (VCV001011858.8), dbSNP rs746256175, ClinGen allele CA3201774.